The following is an entry in ClinVar:

NM_001166108.2(PALLD):c.122A>T (p.Lys41Met)

Gene: PALLD (palladin, cytoskeletal associated protein; plus strand). Cytogenetic location: 4q32.3.
Variant type: single nucleotide variant.
Coding change: c.122A>T on transcript NM_001166108.2 (MANE Select); coding-DNA position 122, A replaced by T.
Protein change: p.Lys41Met; replaces lysine 41 with methionine.
Molecular consequence: missense variant.
Genome position (GRCh38, 1-based): chr4:168,511,626, A>T. VCF-style: chr4-168511626-A-T. GRCh37 (hg19) VCF-style: chr4-169432777-A-T.
Other names: c.122A>T, p.Lys41Met (NM_016081.4); short protein forms K41M.
Identifiers: ClinVar variation 3226719 (VCV003226719.1), dbSNP rs753297099, ClinGen allele CA358724639.

ClinVar aggregate classification (germline): Uncertain significance (1 of 4 stars; one submission).

gnomAD v4.1: 1 of 1,614,188 alleles (0.000062%); highest among the groups gnomAD compares: East Asian, 0.0022%; no homozygotes.

Submission:

Ambry Genetics
Classification: Uncertain significance. Last evaluated: 2023-10-01. Review status: criteria provided, single submitter. Criteria: Ambry Variant Classification Scheme 2023. Collection method: clinical testing. Allele origin: germline.
Comment: The p.K41M variant (also known as c.122A>T), located in coding exon 1 of the PALLD gene, results from an A to T substitution at nucleotide position 122. The lysine at codon 41 is replaced by methionine, an amino acid with similar properties. This amino acid position is conserved. In addition, this alteration is predicted to be tolerated by in silico analysis. Since supporting evidence is limited at this time, the clinical significance of this alteration remains unclear.